The following is an entry in ClinVar:

NM_001267550.2(TTN):c.48919A>G (p.Ile16307Val)

Genes: TTN (titin; minus strand), TTN-AS1 (TTN antisense RNA 1; plus strand), LOC126806426 (BRD4-independent group 4 enhancer GRCh37_chr2:179478848-179480047; plus strand). Cytogenetic location: 2q31.2.
Variant type: single nucleotide variant.
Coding change: c.48919A>G on transcript NM_001267550.2 (MANE Select); coding-DNA position 48919, A replaced by G.
Protein change: p.Ile16307Val; replaces isoleucine 16307 with valine.
Molecular consequence: missense variant. On other transcripts: non-coding transcript variant (1).
Genome position (GRCh38, 1-based): chr2:178,614,595, T>C on the plus strand (A>G on the coding strand, the complement: TTN is on the minus strand). VCF-style: chr2-178614595-T-C. GRCh37 (hg19) VCF-style: chr2-179479322-T-C.
Other names: c.43996A>G, p.Ile14666Val (NM_001256850.1); c.21724A>G, p.Ile7242Val (NM_003319.4); c.41215A>G, p.Ile13739Val (NM_133378.4); c.22099A>G, p.Ile7367Val (NM_133432.3); c.22300A>G, p.Ile7434Val (NM_133437.4); c.48919A>G (NM_001267550.1); short protein forms I13739V, I16307V, I7242V, I14666V, I7367V, I7434V.
Identifiers: ClinVar variation 598301 (VCV000598301.6), dbSNP rs1559813119, ClinGen allele CA349607441.
Genomic context (GRCh38, chr2:178,614,595, plus strand): 5'-CAGTGTCACTTCTCTTACTATCAACAATAGTCACTGTGGATTTCTTAGGGACATTTTCAA[T>C]GGTAATTCTTTTGTCCTGCTTCAGAATCATATCAGCCTTTGTCCAAGTTATTTTAGGTTC-3'
Protein context (NP_001254479.2, residues 16297-16317): MILKQDKRIT[Ile16307Val]ENVPKKSTVT

ClinVar aggregate classification (germline): Uncertain significance. Review status: criteria provided, multiple submitters, no conflicts (2 of 4 stars). 2 submissions from 2 submitters: Uncertain significance (2). Last evaluated 2023-05-04.

Allele frequency attached by ClinVar (database versions not stated): gnomAD exomes below 0.00001; TOPMed below 0.00001.
gnomAD v4.1: 1 of 1,612,404 alleles (0.000062%); highest among the groups gnomAD compares: Non-Finnish European, 0.000085%; no homozygotes.

Submissions (2):

GeneDx
Classification: Uncertain significance. Last evaluated: 2023-05-04. Review status: criteria provided, single submitter. Criteria: GeneDx Variant Classification Process June 2021. Collection method: clinical testing. Allele origin: germline. Affected: yes.
Comment: Not observed at significant frequency in large population cohorts (gnomAD); Missense variant in a gene in which most reported pathogenic variants are truncating/loss of function; Has not been previously published as pathogenic or benign to our knowledge; Located in the A-band region of TTN in which the majority of loss of function variants have been associated with autosomal dominant titinopathies (Herman et al., 2012); This variant is associated with the following publications: (PMID: 23975875)

Eurofins Ntd Llc (ga)
Classification: Uncertain significance. Last evaluated: 2018-08-13. Review status: criteria provided, single submitter. Criteria: EGL ClinVar v180209 classification definitions. Collection method: clinical testing. Allele origin: germline. Observed: 1 variant allele, 1 heterozygote.